The following is an entry in ClinVar:

ClinVar aggregate classification (germline): Uncertain significance (1 of 4 stars; one submission).

Submission:

Labcorp Genetics (formerly Invitae), Labcorp
Classification: Uncertain significance. Last evaluated: 2024-03-10. Review status: criteria provided, single submitter. Criteria: Invitae Variant Classification Sherloc (09022015). Collection method: clinical testing. Allele origin: germline.
Comment: This sequence change replaces arginine, which is basic and polar, with leucine, which is neutral and non-polar, at codon 453 of the KRT16 protein (p.Arg453Leu). This variant is present in population databases (rs764661195, gnomAD 0.002%). This variant has not been reported in the literature in individuals affected with KRT16-related conditions. Advanced modeling of protein sequence and biophysical properties (such as structural, functional, and spatial information, amino acid conservation, physicochemical variation, residue mobility, and thermodynamic stability) performed at Invitae indicates that this missense variant is not expected to disrupt KRT16 protein function with a negative predictive value of 95%. In summary, the available evidence is currently insufficient to determine the role of this variant in disease. Therefore, it has been classified as a Variant of Uncertain Significance.

NM_005557.4(KRT16):c.1358G>T (p.Arg453Leu)

Gene: KRT16 (keratin 16; minus strand). Cytogenetic location: 17q21.2.
Variant type: single nucleotide variant.
Coding change: c.1358G>T on transcript NM_005557.4 (MANE Select); coding-DNA position 1358, G replaced by T.
Protein change: p.Arg453Leu; replaces arginine 453 with leucine.
Molecular consequence: missense variant.
Genome position (GRCh38, 1-based): chr17:41,609,999, C>A on the plus strand (G>T on the coding strand, the complement: KRT16 is on the minus strand). VCF-style: chr17-41609999-C-A. GRCh37 (hg19) VCF-style: chr17-39766251-C-A.
Other names: short protein forms R453L.
Identifiers: ClinVar variation 3608336 (VCV003608336.2).